The following is an entry in ClinVar:

ClinVar aggregate classification (germline): Pathogenic (1 of 4 stars; one submission).

Submission:

Labcorp Genetics (formerly Invitae), Labcorp
Classification: Pathogenic. Last evaluated: 2023-12-18. Review status: criteria provided, single submitter. Criteria: Invitae Variant Classification Sherloc (09022015). Collection method: clinical testing. Allele origin: germline.
Comment: This variant results in a copy number gain of the genomic region encompassing exon(s) 3-9 of the PAFAH1B1 gene. While the exact position of this variant cannot be determined from the data, sub-genic copy number gains are generally in tandem (PMID: 25640679). This variant is predicted to be out-of-frame, and may result in an absent or disrupted protein product. Loss-of-function variants in PAFAH1B1 are known to be pathogenic (PMID: 1671808, 11115846, 14581661). A similar copy number variant has been observed in individuals with clinical features of PAFAH1B1-related conditions (PMID: 19050731; Invitae). For these reasons, this variant has been classified as Pathogenic.

Literature cited by the submitters: PubMed 25640679; PubMed 1671808; PubMed 11115846; PubMed 14581661; PubMed 19050731.

NC_000017.10:g.(?_2568646)_(2579920_?)dup

Gene: PAFAH1B1 (platelet activating factor acetylhydrolase 1b regulatory subunit 1; plus strand). Cytogenetic location: 17p13.3.
Variant type: Duplication.
Identifiers: ClinVar variation 2423077 (VCV002423077.4).